The following is an entry in ClinVar:

NM_000350.3(ABCA4):c.525C>T (p.Asp175=)

Gene: ABCA4 (ATP binding cassette subfamily A member 4; minus strand). Cytogenetic location: 1p22.1.
Variant type: single nucleotide variant.
Coding change: c.525C>T on transcript NM_000350.3 (MANE Select); coding-DNA position 525, C replaced by T.
Protein change: p.Asp175=; no amino-acid change (aspartic acid 175 retained).
Molecular consequence: synonymous variant.
Genome position (GRCh38, 1-based): chr1:94,103,060, G>A on the plus strand (C>T on the coding strand, the complement: ABCA4 is on the minus strand). VCF-style: chr1-94103060-G-A. GRCh37 (hg19) VCF-style: chr1-94568616-G-A.
Other names: c.525C>T (NM_000350.2); c.525C>T, p.Asp175= (NM_001425324.1).
Identifiers: ClinVar variation 1114949 (VCV001114949.10), dbSNP rs1294826352, ClinGen allele CA418830892.
Genomic context (GRCh38, chr1:94,103,060, plus strand): 5'-GTGACATCCCCCTACCTGCTCTGGACGGACTTGAGAGTTGATCAGAAGGTAGACCACTGA[G>A]TCAGACAGGCCGATGTTTTTAATGAGAAATAGTGTCAGTGTTTCTTCATCTTTCAAGATA-3'
Protein context (NP_000341.2, residues 165-185): LFLIKNIGLS[Asp175=]SVVYLLINSQ

ClinVar aggregate classification (germline): Likely benign. Review status: criteria provided, multiple submitters, no conflicts (2 of 4 stars). 2 submissions from 2 submitters: Likely benign (2). Last evaluated 2025-04-26.

Conditions:
ABCA4-related disorder. Also called: ABCA4-related disorders; ABCA4-related condition. Identifiers: MedGen CN239167.

Allele frequency attached by ClinVar (database versions not stated): gnomAD exomes below 0.00001; gnomAD 0.00001; TOPMed 0.00005.
gnomAD v4.1: 4 of 1,614,122 alleles (0.00025%); highest among the groups gnomAD compares: Admixed American, 0.0033%; no homozygotes.

Submissions (2):

PreventionGenetics, part of Exact Sciences
Classification: Likely benign for ABCA4-related condition. Last evaluated: 2025-04-26. Review status: criteria provided, single submitter. Criteria: ACMG Guidelines, 2015. Collection method: clinical testing. Allele origin: germline.
Comment: This variant is classified as likely benign based on ACMG/AMP sequence variant interpretation guidelines (Richards et al. 2015 PMID: 25741868, with internal and published modifications).

Labcorp Genetics (formerly Invitae), Labcorp
Classification: Likely benign. Last evaluated: 2023-06-23. Review status: criteria provided, single submitter. Criteria: Invitae Variant Classification Sherloc (09022015). Collection method: clinical testing. Allele origin: germline.